The following is an entry in ClinVar:

ClinVar aggregate classification (germline): Conflicting classifications of pathogenicity. Review status: criteria provided, conflicting classifications (1 of 4 stars). 23 submissions from 23 submitters: Uncertain significance (1); Benign (3); Likely benign (15). 4 of the submissions do not count toward it. Last evaluated 2026-04-07.

Conditions:
Breast and/or ovarian cancer. Identifiers: MedGen CN221562.
Hereditary cancer-predisposing syndrome. Also called: Tumor predisposition; Hereditary neoplastic syndrome; Hereditary Cancer Syndrome; Neoplastic Syndromes, Hereditary. Identifiers: Orphanet 140162, MedGen C0027672, MeSH D009386, MONDO:0015356.
Familial cancer of breast. Also called: Hereditary breast cancer; hereditary breast carcinoma; BREAST CANCER, FAMILIAL. Identifiers: Orphanet 227535, MedGen C0346153, MONDO:0016419, OMIM 114480. Disease mechanism: loss of function.
Ataxia-telangiectasia syndrome (AT). Also called: ATAXIA-TELANGIECTASIA, COMPLEMENTATION GROUP A; ATAXIA-TELANGIECTASIA, FRESNO VARIANT; Ataxia-telangiectasia; Ataxia-telangiectasia, complementation group D; AT, COMPLEMENTATION GROUP C; Ataxia-telangiectasia, complementation group E. Identifiers: Orphanet 100, MedGen C0004135, MONDO:0008840, OMIM 208900.

Allele frequency attached by ClinVar (database versions not stated): gnomAD exomes 0.00010 and 0.00017; ExAC 0.00012; gnomAD 0.00013; 1000 Genomes Project 30x 0.00016; TOPMed 0.00018; 1000 Genomes Project 0.00020; ESP Exome Variant Server 0.00023.
gnomAD v4.1: 260 of 1,613,130 alleles (0.016%); highest among the groups gnomAD compares: Non-Finnish European, 0.021%; no homozygotes.

Submissions (23):

Institute for Biomarker Research, Medical Diagnostic Laboratories, L.L.C.
Classification: Likely benign for Hereditary cancer-predisposing syndrome. Last evaluated: 2026-04-07. Review status: criteria provided, single submitter. Criteria: ACMG Guidelines, 2015. Collection method: clinical testing. Allele origin: germline.
Comment: The synonymous variant NM_000051.4(ATM):c.1773T>C (p.Asn591=) has not been reported previously as a pathogenic variant, to our knowledge (v). The variant is observed in one or more well-documented healthy adults. The p.Asn591= variant is not predicted to disrupt an existing splice site. The p.Asn591= variant results in a substitution of a base that is not predicted conserved by GERP++ and PhyloP. For these reasons, this variant has been classified as Likely Benign.

Labcorp Genetics (formerly Invitae), Labcorp
Classification: Likely benign for Ataxia-telangiectasia syndrome. Last evaluated: 2026-01-26. Review status: criteria provided, single submitter. Criteria: Invitae Variant Classification Sherloc (09022015). Collection method: clinical testing. Allele origin: germline.

Molecular Pathology, Peter Maccallum Cancer Centre
Classification: Likely benign for Ataxia-telangiectasia syndrome. Last evaluated: 2025-05-09. Review status: criteria provided, single submitter. Criteria: ACMG Guidelines, 2015. Collection method: clinical testing. Allele origin: germline. Inheritance: Autosomal recessive inheritance.

CeGaT Center for Human Genetics Tuebingen
Classification: Likely benign. Last evaluated: 2025-05-01. Review status: criteria provided, single submitter. Criteria: CeGaT Center For Human Genetics Tuebingen Variant Classification Criteria Version 2. Collection method: clinical testing. Allele origin: germline. Affected: yes. Observed: 2 variant alleles.
Comment: ATM: BP4, BP7

Center for Genomic Medicine, Rigshospitalet, Copenhagen University Hospital
Classification: Likely benign. Last evaluated: 2025-03-04. Review status: criteria provided, single submitter. Criteria: ACMG Guidelines, 2015. Collection method: clinical testing. Allele origin: germline.

KCCC/NGS Laboratory, Kuwait Cancer Control Center
Classification: Benign for Familial cancer of breast. Last evaluated: 2025-02-01. Review status: criteria provided, single submitter. Criteria: ACMG Guidelines, 2015. Collection method: clinical testing. Allele origin: germline. Affected: no.

Blueprint Genetics
Classification: Likely benign. Last evaluated: 2024-11-04. Review status: criteria provided, single submitter. Criteria: ACMG Guidelines, 2015. Collection method: clinical testing. Allele origin: germline.

Myriad Genetics, Inc.
Classification: Benign for Familial cancer of breast. Last evaluated: 2024-05-01. Review status: criteria provided, single submitter. Criteria: Myriad Autosomal Dominant, Autosomal Recessive and X-Linked Classification Criteria (2023). Collection method: clinical testing. Allele origin: unknown.
Comment: This variant is considered benign. This variant is a silent/synonymous amino acid change and it is not expected to impact splicing.

ARUP Laboratories, Molecular Genetics and Genomics, ARUP Laboratories
Classification: Likely benign. Last evaluated: 2023-08-24. Review status: criteria provided, single submitter. Criteria: ARUP Molecular Germline Variant Investigation Process 2024. Collection method: clinical testing. Allele origin: germline.

CHEO Genetics Diagnostic Laboratory, Children's Hospital of Eastern Ontario
Classification: Likely benign for Breast and/or ovarian cancer. Last evaluated: 2022-10-03. Review status: criteria provided, single submitter. Criteria: ACMG Guidelines, 2015. Collection method: clinical testing. Allele origin: germline.

Mayo Clinic Laboratories, Mayo Clinic
Classification: Uncertain significance. Last evaluated: 2022-07-15. Review status: criteria provided, single submitter. Criteria: ACMG Guidelines, 2015. Collection method: clinical testing. Allele origin: germline. Observed: 1 variant allele.

Quest Diagnostics Nichols Institute San Juan Capistrano
Classification: Likely benign. Last evaluated: 2021-09-03. Review status: criteria provided, single submitter. Criteria: Quest Diagnostics criteria. Collection method: clinical testing. Allele origin: unknown.

Sema4
Classification: Likely benign for Hereditary cancer-predisposing syndrome. Last evaluated: 2021-03-16. Review status: criteria provided, single submitter. Criteria: Sema4 Curation Guidelines. Collection method: curation. Allele origin: germline.

Athena Diagnostics
Classification: Likely benign. Last evaluated: 2019-10-15. Review status: criteria provided, single submitter. Criteria: Athena Diagnostics Criteria. Collection method: clinical testing. Allele origin: unknown.

Women's Health and Genetics/Laboratory Corporation of America, LabCorp
Classification: Likely benign. Last evaluated: 2019-08-20. Review status: criteria provided, single submitter. Criteria: LabCorp Variant Classification Summary - May 2015. Collection method: clinical testing. Allele origin: germline.

Color Diagnostics, LLC DBA Color Health
Classification: Likely benign for Hereditary cancer-predisposing syndrome. Last evaluated: 2015-08-04. Review status: criteria provided, single submitter. Criteria: ACMG Guidelines, 2015. Collection method: clinical testing. Allele origin: germline.

Ambry Genetics
Classification: Likely benign for Hereditary cancer-predisposing syndrome. Last evaluated: 2014-09-12. Review status: criteria provided, single submitter. Criteria: Ambry Variant Classification Scheme 2023. Collection method: clinical testing. Allele origin: germline.

GeneDx
Classification: Benign. Last evaluated: 2014-04-29. Review status: criteria provided, single submitter. Criteria: GeneDx Variant Classification (06012015). Collection method: clinical testing. Allele origin: germline. Affected: yes.
Comment: This variant is considered likely benign or benign based on one or more of the following criteria: it is a conservative change, it occurs at a poorly conserved position in the protein, it is predicted to be benign by multiple in silico algorithms, and/or has population frequency not consistent with disease.

Breakthrough Genomics
Classification: Likely benign. Review status: criteria provided, single submitter. Criteria: ACMG Guidelines, 2015. Collection method: not provided. Allele origin: germline. Inheritance: Autosomal recessive inheritance. Affected: yes.

Natera, Inc.
Classification: Likely benign for Ataxia-telangiectasia. Last evaluated: 2020-04-16. Review status: no assertion criteria provided. Collection method: clinical testing. Allele origin: germline. Not counted in ClinVar's aggregate classification.

Clinical Genetics Laboratory, Department of Pathology, Netherlands Cancer Institute
Classification: Likely benign. Review status: no assertion criteria provided. Collection method: clinical testing. Allele origin: germline. Affected: yes. Study: VKGL Data-share Consensus. Not counted in ClinVar's aggregate classification.

Genome Diagnostics Laboratory, Amsterdam University Medical Center
Classification: Likely benign. Review status: no assertion criteria provided. Collection method: clinical testing. Allele origin: germline. Affected: yes. Study: VKGL Data-share Consensus. Not counted in ClinVar's aggregate classification.

Joint Genome Diagnostic Labs from Nijmegen and Maastricht, Radboudumc and MUMC+
Classification: Likely benign. Review status: no assertion criteria provided. Collection method: clinical testing. Allele origin: germline. Affected: yes. Study: VKGL Data-share Consensus. Not counted in ClinVar's aggregate classification.

Literature cited by the submitters: PubMed 16461462 (cited by Quest Diagnostics Nichols Institute San Juan Capistrano and Athena Diagnostics); PubMed 28779002 (cited by Quest Diagnostics Nichols Institute San Juan Capistrano).

NM_000051.4(ATM):c.1773T>C (p.Asn591=)

Gene: ATM (ATM serine/threonine kinase; plus strand). Cytogenetic location: 11q22.3.
Variant type: single nucleotide variant.
Coding change: c.1773T>C on transcript NM_000051.4 (MANE Select); coding-DNA position 1773, T replaced by C.
Protein change: p.Asn591=; no amino-acid change (asparagine 591 retained).
Molecular consequence: synonymous variant.
Genome position (GRCh38, 1-based): chr11:108,252,002, T>C. VCF-style: chr11-108252002-T-C. GRCh37 (hg19) VCF-style: chr11-108122729-T-C.
Other names: p.N591N:AAT>AAC; p.Asn591=; c.1773T>C, p.Asn591= (NM_001351834.2).
Identifiers: ClinVar variation 136435 (VCV000136435.81), dbSNP rs61734356, ClinGen allele CA289535.